The following is an entry in ClinVar:

NM_000091.5(COL4A3):c.1806C>A (p.Gly602=)

Genes: COL4A3 (collagen type IV alpha 3 chain; plus strand), MFF-DT (MFF divergent transcript; minus strand). Cytogenetic location: 2q36.3.
Variant type: single nucleotide variant.
Coding change: c.1806C>A on transcript NM_000091.5 (MANE Select); coding-DNA position 1806, C replaced by A.
Protein change: p.Gly602=; no amino-acid change (glycine 602 retained).
Molecular consequence: synonymous variant.
Genome position (GRCh38, 1-based): chr2:227,272,996, C>A. VCF-style: chr2-227272996-C-A. GRCh37 (hg19) VCF-style: chr2-228137712-C-A.
Identifiers: ClinVar variation 2571126 (VCV002571126.27), dbSNP rs2071333362, ClinGen allele CA431500699.

ClinVar aggregate classification (germline): Likely benign (1 of 4 stars; one submission).

Allele frequency attached by ClinVar (database versions not stated): TOPMed below 0.00001.

Submission:

CeGaT Center for Human Genetics Tuebingen
Classification: Likely benign. Last evaluated: 2024-06-01. Review status: criteria provided, single submitter. Criteria: CeGaT Center For Human Genetics Tuebingen Variant Classification Criteria Version 2. Collection method: clinical testing. Allele origin: germline. Affected: yes. Observed: 2 variant alleles.
Comment: COL4A3: PM2:Supporting, BP4, BP7